The following is an entry in ClinVar:

NM_000104.4(CYP1B1):c.92C>A (p.Ala31Asp)

Gene: CYP1B1 (cytochrome P450 family 1 subfamily B member 1; minus strand). Cytogenetic location: 2p22.2.
Variant type: single nucleotide variant.
Coding change: c.92C>A on transcript NM_000104.4 (MANE Select); coding-DNA position 92, C replaced by A.
Protein change: p.Ala31Asp; replaces alanine 31 with aspartic acid.
Molecular consequence: missense variant.
Genome position (GRCh38, 1-based): chr2:38,075,297, G>T on the plus strand (C>A on the coding strand, the complement: CYP1B1 is on the minus strand). VCF-style: chr2-38075297-G-T. GRCh37 (hg19) VCF-style: chr2-38302440-G-T.
Other names: short protein forms A31D.
Identifiers: ClinVar variation 2671801 (VCV002671801.3), dbSNP rs2465885085, ClinGen allele CA346329922.
Genomic context (GRCh38, chr2:38,075,297, plus strand): 5'-GGCGCGGACCGGAGCTGCCGCCTCCGTTGCCTCAGCAGCCGCTGGCCCACATGCACAGTG[G>T]CCAGCACCGACAGGAGTAGCAGGAGCGTGGTCTGCTGGATGGACAGCGGGTTTAGCGGCC-3'
Protein context (NP_000095.2, residues 21-41): TTLLLLLSVL[Ala31Asp]TVHVGQRLLR

ClinVar aggregate classification (germline): Uncertain significance. Review status: criteria provided, single submitter (1 of 4 stars). 2 submissions from 2 submitters: Uncertain significance (1). 1 of the submissions does not count toward it. Last evaluated 2023-03-01.

Conditions:
Anterior segment dysgenesis 6 (ASGD6). Also called: Anterior segment dysgenesis 6, multiple subtypes. Identifiers: MedGen C4310623, MONDO:0015016, OMIM 617315.

Submissions (2):

Neuberg Centre For Genomic Medicine, NCGM
Classification: Uncertain significance for Anterior segment dysgenesis 6. Last evaluated: 2023-03-01. Review status: criteria provided, single submitter. Criteria: ACMG Guidelines, 2015. Collection method: clinical testing. Allele origin: germline. Inheritance: Autosomal recessive inheritance. Affected: yes.
Comment: The missense c.92C>A (p.Ala31Asp) variant in CYP1B1 gene has not been reported previously as a pathogenic variant nor as a benign variant, to our knowledge. The p.Ala31Asp variant is novel (not in any individuals) in gnomAD Exomes and 1000 Genomes. This variant has not been reported to the ClinVar database. The amino acid change p.Ala31Asp in CYP1B1 is predicted as conserved by GERP++ and PhyloP across 100 vertebrates. The amino acid Ala at position 31 is changed to a Asp changing protein sequence and it might alter its composition and physico-chemical properties. For these reasons, this variant has been classified as a Variant of Uncertain Significance (VUS).

Genetics laboratory, Institute of Kidney Diseases & Research Centre Dr. H.L. Trivedi Institute Of Transplantation Sciences
Classification: Likely pathogenic for Anterior segment dysgenesis 6. Last evaluated: 2023-02-16. Review status: no assertion criteria provided. Collection method: clinical testing. Allele origin: germline. Inheritance: Autosomal recessive inheritance. Affected: yes. Observed: 1 variant allele, 1 homozygote. Not counted in ClinVar's aggregate classification.
Comment: The missense c.92C>A (p.Ala31Asp) variant in CYP1B1 gene has not been reported previously as a pathogenic variant nor as a benign variant, to our knowledge.

Literature cited by the submitters: DOI 10.1186/s43042-024-00493-7 (cited by Genetics laboratory, Institute of Kidney Diseases & Research Centre Dr. H.L. Trivedi Institute Of Transplantation Sciences).